The following is an entry in ClinVar:

NM_031407.7(HUWE1):c.7381G>A (p.Asp2461Asn)

Genes: HUWE1 (HECT, UBA and WWE domain containing E3 ubiquitin protein ligase 1; minus strand), LOC126863262 (MED14-independent group 3 enhancer GRCh37_chrX:53588722-53589921; plus strand). Cytogenetic location: Xp11.22.
Variant type: single nucleotide variant.
Coding change: c.7381G>A on transcript NM_031407.7 (MANE Select); coding-DNA position 7381, G replaced by A.
Protein change: p.Asp2461Asn; replaces aspartic acid 2461 with asparagine.
Molecular consequence: missense variant.
Genome position (GRCh38, 1-based): chrX:53,561,882, C>T on the plus strand (G>A on the coding strand, the complement: HUWE1 is on the minus strand). VCF-style: chrX-53561882-C-T. GRCh37 (hg19) VCF-style: chrX-53588843-C-T.
Other names: short protein forms D2461N.
Identifiers: ClinVar variation 2661957 (VCV002661957.2), dbSNP rs2062310422, ClinGen allele CA413158854.
Genomic context (GRCh38, chrX:53,561,882, plus strand): 5'-GGACCAAGGGAGAAGCGTTCATATCAGGATAATCCTCATCCAATTCCATCTCAGAGCCAT[C>T]GTCGTCATCGTCTTCATCTCCCTCTTCACCTTCATCATCCTCCTTAAGGGAAAATAGGAG-3'
Protein context (NP_113584.3, residues 2451-2471): GEEGDEDDDD[Asp2461Asn]GSEMELDEDY

ClinVar aggregate classification (germline): Uncertain significance. Review status: criteria provided, multiple submitters, no conflicts (2 of 4 stars). 2 submissions from 2 submitters: Uncertain significance (2). Last evaluated 2023-10-30.

Allele frequency attached by ClinVar (database versions not stated): gnomAD exomes below 0.00001.
gnomAD v4.1: 3 of 1,211,054 alleles (0.00025%); highest among the groups gnomAD compares: Non-Finnish European, 0.00034%; no homozygotes.

Submissions (2):

Blueprint Genetics
Classification: Uncertain significance. Last evaluated: 2023-10-30. Review status: criteria provided, single submitter. Criteria: ACMG Guidelines, 2015. Collection method: clinical testing. Allele origin: germline.

GeneDx
Classification: Uncertain significance. Last evaluated: 2023-04-28. Review status: criteria provided, single submitter. Criteria: GeneDx Variant Classification Process June 2021. Collection method: clinical testing. Allele origin: germline. Affected: yes.
Comment: Not observed at significant frequency in large population cohorts (gnomAD); In silico analysis supports that this missense variant does not alter protein structure/function; Has not been previously published as pathogenic or benign to our knowledge